The following is an entry in ClinVar:

ClinVar aggregate classification (germline): Benign/Likely benign. Review status: criteria provided, multiple submitters, no conflicts (2 of 4 stars). 3 submissions from 3 submitters: Benign (1); Likely benign (2). Last evaluated 2025-01-29.

Conditions:
Hereditary cancer-predisposing syndrome. Also called: Tumor predisposition; Hereditary neoplastic syndrome; Neoplastic Syndromes, Hereditary; Hereditary Cancer Syndrome. Identifiers: Orphanet 140162, MedGen C0027672, MeSH D009386, MONDO:0015356.
Melanoma, cutaneous malignant, susceptibility to, 3. Also called: Cutaneous malignant melanoma 3. Identifiers: Orphanet 618, MedGen C1836892, MONDO:0012183, OMIM 609048.
Familial melanoma. Also called: Hereditary melanoma; Hereditary cutaneous melanoma. Identifiers: Orphanet 618, MedGen C1512419, MONDO:0018961.

gnomAD v4.1: 2 of 1,608,998 alleles (0.00012%); highest among the groups gnomAD compares: Non-Finnish European, 0.00017%; no homozygotes.

Submissions (3):

Labcorp Genetics (formerly Invitae), Labcorp
Classification: Likely benign for Familial melanoma. Last evaluated: 2025-01-29. Review status: criteria provided, single submitter. Criteria: Invitae Variant Classification Sherloc (09022015). Collection method: clinical testing. Allele origin: germline.

Myriad Genetics, Inc.
Classification: Benign for Melanoma, cutaneous malignant, susceptibility to, 3. Last evaluated: 2024-09-26. Review status: criteria provided, single submitter. Criteria: Myriad Autosomal Dominant, Autosomal Recessive and X-Linked Classification Criteria (2023). Collection method: clinical testing. Allele origin: unknown.
Comment: This variant is considered benign. This variant is a silent/synonymous amino acid change and it is not expected to impact splicing.

Ambry Genetics
Classification: Likely benign for Hereditary cancer-predisposing syndrome. Last evaluated: 2022-01-20. Review status: criteria provided, single submitter. Criteria: Ambry Variant Classification Scheme 2023. Collection method: clinical testing. Allele origin: germline.

NM_000075.4(CDK4):c.630A>C (p.Arg210=)

Gene: CDK4 (cyclin dependent kinase 4; minus strand). Cytogenetic location: 12q14.1.
Variant type: single nucleotide variant.
Coding change: c.630A>C on transcript NM_000075.4 (MANE Select); coding-DNA position 630, A replaced by C.
Protein change: p.Arg210=; no amino-acid change (arginine 210 retained).
Molecular consequence: synonymous variant.
Genome position (GRCh38, 1-based): chr12:57,750,658, T>G on the plus strand (A>C on the coding strand, the complement: CDK4 is on the minus strand). VCF-style: chr12-57750658-T-G. GRCh37 (hg19) VCF-style: chr12-58144441-T-G.
Identifiers: ClinVar variation 1077907 (VCV001077907.12), dbSNP rs1012477745, ClinGen allele CA237844101.